The following is an entry in ClinVar:

ClinVar aggregate classification (germline): Conflicting classifications of pathogenicity. Review status: criteria provided, conflicting classifications (1 of 4 stars). 2 submissions from 2 submitters: Pathogenic (1); Uncertain significance (1). Last evaluated 2025-11-17.

Conditions:
Sialuria. Also called: SIALURIA, FRENCH TYPE; Sialic Acid Storage Disease. Identifiers: Orphanet 3166, MedGen C0342853, MONDO:0010028, OMIM 269921.
GNE myopathy (NM). Also called: NONAKA DISTAL MYOPATHY; MYOPATHY, DISTAL, WITH OR WITHOUT RIMMED VACUOLES; IBM 2; Inclusion body myopathy autosomal recessive; Inclusion body myopathy quadriceps sparing; INCLUSION BODY MYOPATHY, HEREDITARY, AUTOSOMAL RECESSIVE. Identifiers: Orphanet 602, MedGen C1853926, MONDO:0011603, OMIM 605820.

Submissions (2):

Women's Health and Genetics/Laboratory Corporation of America, LabCorp
Classification: Pathogenic for GNE myopathy. Last evaluated: 2025-11-17. Review status: criteria provided, single submitter. Criteria: LabCorp Variant Classification Summary - May 2015. Collection method: clinical testing. Allele origin: germline.
Comment: Variant summary: GNE c.2117A>G (p.Tyr706Cys) results in a non-conservative amino acid change in the encoded protein sequence. Algorithms developed to predict the effect of missense changes on protein structure and function all suggest that this variant is likely to be disruptive. The variant was absent in 251474 control chromosomes. c.2117A>G has been observed in the homozygous or presumed compound heterozygous state in at least 3 individual(s) affected with autosomal recessive Inclusion Body Myopathy 2. These data indicate that the variant is likely to be associated with disease. A different variant affecting the same codon has been classified as likely pathogenic/pathogenic by our lab (c.2116T>C, p.Tyr706His), supporting the critical relevance of codon 706 to GNE protein function. To our knowledge, no experimental evidence demonstrating an impact on protein function has been reported. The following publications have been ascertained in the context of this evaluation (PMID: 39332896, 15676110, 35138478). ClinVar contains an entry for this variant (Variation ID: 2134489). To our knowledge, this variant has not been reported in individuals with autosomal dominant GNE-related conditions. Based on the evidence outlined above, the variant was classified as pathogenic for autosomal recessive Inclusion Body/GEN-related Myopathy 2.

Labcorp Genetics (formerly Invitae), Labcorp
Classification: Uncertain significance for Sialuria; GNE myopathy. Last evaluated: 2022-07-19. Review status: criteria provided, single submitter. Criteria: Invitae Variant Classification Sherloc (09022015). Collection method: clinical testing. Allele origin: germline.
Comment: This sequence change replaces tyrosine, which is neutral and polar, with cysteine, which is neutral and slightly polar, at codon 706 of the GNE protein (p.Tyr706Cys). This variant is not present in population databases (gnomAD no frequency). This variant has not been reported in the literature in individuals affected with GNE-related conditions. Algorithms developed to predict the effect of missense changes on protein structure and function are either unavailable or do not agree on the potential impact of this missense change (SIFT: "Deleterious"; PolyPhen-2: "Probably Damaging"; Align-GVGD: "Class C0"). This variant disrupts the p.Tyr706 amino acid residue in GNE. Other variant(s) that disrupt this residue have been determined to be pathogenic (PMID: 12409274, 20059379, 29406958). This suggests that this residue is clinically significant, and that variants that disrupt this residue are likely to be disease-causing. In summary, the available evidence is currently insufficient to determine the role of this variant in disease. Therefore, it has been classified as a Variant of Uncertain Significance.

Literature cited by the submitters: PubMed 35138478 (cited by Women's Health and Genetics/Laboratory Corporation of America, LabCorp); PubMed 39332896 (cited by Women's Health and Genetics/Laboratory Corporation of America, LabCorp); PubMed 15676110 (cited by Women's Health and Genetics/Laboratory Corporation of America, LabCorp); PubMed 12409274 (cited by Labcorp Genetics (formerly Invitae), Labcorp); PubMed 20059379 (cited by Labcorp Genetics (formerly Invitae), Labcorp); PubMed 29406958 (cited by Labcorp Genetics (formerly Invitae), Labcorp).

NM_005476.7(GNE):c.2024A>G (p.Tyr675Cys)

Gene: GNE (glucosamine (UDP-N-acetyl)-2-epimerase/N-acetylmannosamine kinase; minus strand). Cytogenetic location: 9p13.3.
Variant type: single nucleotide variant.
Coding change: c.2024A>G on transcript NM_005476.7 (MANE Select); coding-DNA position 2024, A replaced by G.
Protein change: p.Tyr675Cys; replaces tyrosine 675 with cysteine.
Molecular consequence: missense variant.
Genome position (GRCh38, 1-based): chr9:36,217,510, T>C on the plus strand (A>G on the coding strand, the complement: GNE is on the minus strand). VCF-style: chr9-36217510-T-C. GRCh37 (hg19) VCF-style: chr9-36217507-T-C.
Other names: c.2117A>G, p.Tyr706Cys (NM_001128227.3); c.1802A>G, p.Tyr601Cys (NM_001190383.3); c.1694A>G, p.Tyr565Cys (NM_001190384.3); c.1847A>G, p.Tyr616Cys (NM_001190388.2, NM_001374798.1); c.1871A>G, p.Tyr624Cys (NM_001374797.1); short protein forms Y565C, Y706C, Y601C, Y616C, Y624C, Y675C.
Identifiers: ClinVar variation 2134489 (VCV002134489.5), dbSNP rs2489583038, ClinGen allele CA373424584.